The following is an entry in ClinVar:

NC_000007.14:g.(?_146774271)_(146774381_?)del

Gene: CNTNAP2 (contactin associated protein 2; plus strand). Cytogenetic location: 7q35.
Variant type: Deletion.
Identifiers: ClinVar variation 417572 (VCV000417572.1).

ClinVar aggregate classification (germline): Uncertain significance (1 of 4 stars; one submission).

Conditions:
Cortical dysplasia-focal epilepsy syndrome (PTHSL1). Also called: Pitt-Hopkins-like syndrome 1. Identifiers: Orphanet 163681, Orphanet 221150, MedGen C2750246, MONDO:0012400, OMIM 610042.

Submission:

Labcorp Genetics (formerly Invitae), Labcorp
Classification: Uncertain significance for Cortical dysplasia-focal epilepsy syndrome. Last evaluated: 2016-12-05. Review status: criteria provided, single submitter. Criteria: Invitae Variant Classification Sherloc (09022015). Collection method: clinical testing. Allele origin: germline.
Comment: This variant is a gross deletion of the genomic region encompassing exon 2 of the CNTNAP2 gene. This leads to an in-frame deletion, preserving the integrity of the reading frame. This variant has not been reported in the literature in individuals with a CNTNAP2-related disease. Experimental studies and prediction algorithms are not available for this variant, and the functional significance of the deleted amino acids is currently unknown. In summary, this variant is a novel in-frame deletion with uncertain impact on protein function. It has been classified as a Variant of Uncertain Significance.